The following is an entry in ClinVar:

ClinVar aggregate classification (germline): Likely benign (0 of 4 stars; one submission).

Conditions:
SREBF2-related disorder. Also called: SREBF2-related condiiton.

Allele frequency attached by ClinVar (database versions not stated): ESP Exome Variant Server 0.00008; gnomAD exomes 0.00038; gnomAD 0.00042; TOPMed 0.00048; ExAC 0.00070; 1000 Genomes Project 30x 0.00141; 1000 Genomes Project 0.00160.
gnomAD v4.1: 630 of 1,614,176 alleles (0.039%); highest among the groups gnomAD compares: East Asian, 1%; 3 homozygotes.

Submission:

PreventionGenetics, part of Exact Sciences
Classification: Likely benign for SREBF2-related condition. Last evaluated: 2021-01-20. Review status: no assertion criteria provided. Collection method: clinical testing. Allele origin: germline.
Comment: This variant is classified as likely benign based on ACMG/AMP sequence variant interpretation guidelines (Richards et al. 2015 PMID: 25741868, with internal and published modifications).

NM_004599.4(SREBF2):c.2704G>C (p.Val902Leu)

Gene: SREBF2 (sterol regulatory element binding transcription factor 2; plus strand). Cytogenetic location: 22q13.2.
Variant type: single nucleotide variant.
Coding change: c.2704G>C on transcript NM_004599.4 (MANE Select); coding-DNA position 2704, G replaced by C.
Protein change: p.Val902Leu; replaces valine 902 with leucine.
Molecular consequence: missense variant. On other transcripts: non-coding transcript variant (1).
Genome position (GRCh38, 1-based): chr22:41,898,747, G>C. VCF-style: chr22-41898747-G-C. GRCh37 (hg19) VCF-style: chr22-42294751-G-C.
Other names: short protein forms V902L.
Identifiers: ClinVar variation 3044042 (VCV003044042.2), dbSNP rs17848351, ClinGen allele CA10262053.